The following is an entry in ClinVar:

ClinVar aggregate classification (germline): Likely benign (1 of 4 stars; one submission).

Conditions:
Familial cancer of breast. Also called: hereditary breast carcinoma; Hereditary breast cancer; BREAST CANCER, FAMILIAL. Identifiers: Orphanet 227535, MedGen C0346153, MONDO:0016419, OMIM 114480. Disease mechanism: loss of function.

Submission:

Myriad Genetics, Inc.
Classification: Likely benign for Familial cancer of breast. Last evaluated: 2024-08-27. Review status: criteria provided, single submitter. Criteria: Myriad Autosomal Dominant, Autosomal Recessive and X-Linked Classification Criteria (2023). Collection method: clinical testing. Allele origin: unknown.
Comment: This variant is considered likely benign. This variant is intronic and is not expected to impact mRNA splicing.

NM_032043.3(BRIP1):c.1340+10T>G

Gene: BRIP1 (BRCA1 interacting DNA helicase 1; minus strand). Cytogenetic location: 17q23.2.
Variant type: single nucleotide variant.
Coding change: c.1340+10T>G on transcript NM_032043.3 (MANE Select); 10 bases into the intron after coding-DNA position 1340, T replaced by G.
Molecular consequence: intron variant.
Genome position (GRCh38, 1-based): chr17:61,799,090, A>C on the plus strand (T>G on the coding strand, the complement: BRIP1 is on the minus strand). VCF-style: chr17-61799090-A-C. GRCh37 (hg19) VCF-style: chr17-59876451-A-C.
Identifiers: ClinVar variation 3378427 (VCV003378427.1).
Genomic context (GRCh38, chr17:61,799,090, plus strand): 5'-ACTCTGGCATAATCAAACATATTTTTCATATAAAGGCAGCACAAATACACTAATAGACAA[A>C]TCTTCTTACTTAATGAGGCTACAGCACACAGCTCGTAGGGGTTCATGATCTTTCTTCCTT-3'